The following is an entry in ClinVar:

NM_007294.4(BRCA1):c.903_904insT (p.Ala302fs)

Gene: BRCA1 (BRCA1 DNA repair associated; minus strand). Cytogenetic location: 17q21.31.
Variant type: Insertion.
Coding change: c.903_904insT on transcript NM_007294.4 (MANE Select); coding-DNA positions 903 to 904, T inserted.
Protein change: p.Ala302fs; shifts the reading frame from alanine 302.
Molecular consequence: frameshift variant. On other transcripts: intron variant (137).
Genome position: GRCh38 VCF-style: chr17-43094627-C-CA. GRCh37 (hg19) VCF-style: chr17-41246644-C-CA.
Other names: c.690_691insT, p.Ala231fs (NM_001407571.1, NM_001407853.1, NM_001407894.1 and 9 more transcripts); c.903_904insT, p.Ala302fs (NM_001407581.1, NM_001407582.1, NM_001407583.1 and 30 more transcripts); c.900_901insT, p.Ala301fs (NM_001407587.1, NM_001407590.1, NM_001407591.1 and 22 more transcripts); c.825_826insT, p.Ala276fs (NM_001407653.1, NM_001407654.1, NM_001407655.1 and 4 more transcripts); c.822_823insT, p.Ala275fs (NM_001407659.1, NM_001407660.1, NM_001407661.1 and 1 more transcripts); c.780_781insT, p.Ala261fs (NM_001407664.1, NM_001407665.1, NM_001407666.1 and 19 more transcripts); c.777_778insT, p.Ala260fs (NM_001407670.1, NM_001407671.1, NM_001407672.1 and 11 more transcripts); c.762_763insT, p.Ala255fs (NM_001407692.1, NM_001407694.1, NM_001407695.1 and 29 more transcripts); and 40 more; short protein forms A302fs, A255fs, A175fs, A190fs, A191fs, A235fs, A254fs, A260fs.
Identifiers: ClinVar variation 548272 (VCV000548272.2), dbSNP rs397509333, ClinGen allele CA658824549.

ClinVar aggregate classification (germline): Pathogenic (3 of 4 stars; one submission).

Conditions:
Breast-ovarian cancer, familial, susceptibility to, 1 (BROVCA1). Also called: BRCA1 Hereditary Breast and Ovarian Cancer; OVARIAN CANCER, SUSCEPTIBILITY TO. Identifiers: Orphanet 145, MedGen C2676676, MONDO:0011450, OMIM 604370. Disease mechanism: loss of function.

Submission:

Evidence-based Network for the Interpretation of Germline Mutant Alleles (ENIGMA)
Classification: Pathogenic for Breast-ovarian cancer, familial, susceptibility to, 1. Last evaluated: 2017-12-15. Review status: reviewed by expert panel. Criteria: ENIGMA BRCA1/2 Classification Criteria (2017-06-29). Collection method: curation. Allele origin: germline. Study: ENIGMA.
Comment: Variant allele predicted to encode a truncated non-functional protein.